The following is an entry in ClinVar:

NM_030777.4(SLC2A10):c.1555C>G (p.Leu519Val)

Gene: SLC2A10 (solute carrier family 2 member 10; plus strand). Cytogenetic location: 20q13.12.
Variant type: single nucleotide variant.
Coding change: c.1555C>G on transcript NM_030777.4 (MANE Select); coding-DNA position 1555, C replaced by G.
Protein change: p.Leu519Val; replaces leucine 519 with valine.
Molecular consequence: missense variant.
Genome position (GRCh38, 1-based): chr20:46,733,763, C>G. VCF-style: chr20-46733763-C-G. GRCh37 (hg19) VCF-style: chr20-45362402-C-G.
Other names: short protein forms L519V.
Identifiers: ClinVar variation 1775140 (VCV001775140.2), dbSNP rs1980420278, ClinGen allele CA409274571.

ClinVar aggregate classification (germline): Uncertain significance (1 of 4 stars; one submission).

Conditions:
Familial thoracic aortic aneurysm and aortic dissection (TAAD). Also called: Thoracic aortic aneurysms and dissections. Identifiers: Orphanet 91387, MedGen C4707243, MONDO:0019625.

Allele frequency attached by ClinVar (database versions not stated): gnomAD exomes below 0.00001; TOPMed below 0.00001; gnomAD 0.00001.
gnomAD v4.1: 3 of 1,613,980 alleles (0.00019%); highest among the groups gnomAD compares: Admixed American, 0.005%; no homozygotes.

Submission:

Ambry Genetics
Classification: Uncertain significance for Familial thoracic aortic aneurysm and aortic dissection. Last evaluated: 2020-06-01. Review status: criteria provided, single submitter. Criteria: Ambry Variant Classification Scheme 2023. Collection method: clinical testing. Allele origin: germline.
Comment: The p.L519V variant (also known as c.1555C>G), located in coding exon 5 of the SLC2A10 gene, results from a C to G substitution at nucleotide position 1555. The leucine at codon 519 is replaced by valine, an amino acid with highly similar properties. This amino acid position is well conserved in available vertebrate species. In addition, this alteration is predicted to be tolerated by in silico analysis. Since supporting evidence is limited at this time, the clinical significance of this alteration remains unclear.